The following is an entry in ClinVar:

ClinVar aggregate classification (germline): Uncertain significance (1 of 4 stars; one submission).

Allele frequency attached by ClinVar (database versions not stated): gnomAD exomes below 0.00001.
gnomAD v4.1: 1 of 1,614,216 alleles (0.000062%); highest among the groups gnomAD compares: Non-Finnish European, 0.000085%; no homozygotes.

Submission:

Labcorp Genetics (formerly Invitae), Labcorp
Classification: Uncertain significance. Last evaluated: 2022-06-29. Review status: criteria provided, single submitter. Criteria: Invitae Variant Classification Sherloc (09022015). Collection method: clinical testing. Allele origin: germline.
Comment: This variant is not present in population databases (gnomAD no frequency). In summary, the available evidence is currently insufficient to determine the role of this variant in disease. Therefore, it has been classified as a Variant of Uncertain Significance. Algorithms developed to predict the effect of missense changes on protein structure and function (SIFT, PolyPhen-2, Align-GVGD) all suggest that this variant is likely to be tolerated. This variant has not been reported in the literature in individuals affected with SON-related conditions. This sequence change replaces leucine, which is neutral and non-polar, with isoleucine, which is neutral and non-polar, at codon 1427 of the SON protein (p.Leu1427Ile).

NM_138927.4(SON):c.4279C>A (p.Leu1427Ile)

Gene: SON (SON DNA and RNA binding protein; plus strand). Cytogenetic location: 21q22.11.
Variant type: single nucleotide variant.
Coding change: c.4279C>A on transcript NM_138927.4 (MANE Select); coding-DNA position 4279, C replaced by A.
Protein change: p.Leu1427Ile; replaces leucine 1427 with isoleucine.
Molecular consequence: missense variant. On other transcripts: non-coding transcript variant (1), intron variant (1).
Genome position (GRCh38, 1-based): chr21:33,553,510, C>A. VCF-style: chr21-33553510-C-A. GRCh37 (hg19) VCF-style: chr21-34925816-C-A.
Other names: c.4279C>A, p.Leu1427Ile (NM_001291411.2, NM_001412133.1, NM_032195.3 and 2 more transcripts); c.245-3646C>A (NM_001291412.3); short protein forms L1427I.
Identifiers: ClinVar variation 1936745 (VCV001936745.5), dbSNP rs2517379948, ClinGen allele CA410162287.